The following is an entry in ClinVar:

NM_005219.5(DIAPH1):c.434C>A (p.Ala145Asp)

Gene: DIAPH1 (diaphanous related formin 1; minus strand). Cytogenetic location: 5q31.3.
Variant type: single nucleotide variant.
Coding change: c.434C>A on transcript NM_005219.5 (MANE Select); coding-DNA position 434, C replaced by A.
Protein change: p.Ala145Asp; replaces alanine 145 with aspartic acid.
Molecular consequence: missense variant.
Genome position (GRCh38, 1-based): chr5:141,583,584, G>T on the plus strand (C>A on the coding strand, the complement: DIAPH1 is on the minus strand). VCF-style: chr5-141583584-G-T. GRCh37 (hg19) VCF-style: chr5-140963151-G-T.
Other names: c.407C>A, p.Ala136Asp (NM_001079812.3); c.434C>A, p.Ala145Asp (NM_001314007.2); short protein forms A136D, A145D.
Identifiers: ClinVar variation 2942086 (VCV002942086.3), dbSNP rs2513772312, ClinGen allele CA361542194.

ClinVar aggregate classification (germline): Uncertain significance (1 of 4 stars; one submission).

Conditions:
Progressive microcephaly-seizures-cortical blindness-developmental delay syndrome. Also called: Seizures, cortical blindness, and microcephaly syndrome. Identifiers: Orphanet 477814, MedGen C5567650, MONDO:0014714, OMIM 616632.
Autosomal dominant nonsyndromic hearing loss 1. Also called: KONIGSMARK SYNDROME; DEAFNESS, AUTOSOMAL DOMINANT 1, WITH OR WITHOUT THROMBOCYTOPENIA. Identifiers: Orphanet 90635, MedGen C1852282, MONDO:0007424, OMIM 124900.

Submission:

Labcorp Genetics (formerly Invitae), Labcorp
Classification: Uncertain significance for Progressive microcephaly-seizures-cortical blindness-developmental delay syndrome; Autosomal dominant nonsyndromic hearing loss 1. Last evaluated: 2022-12-06. Review status: criteria provided, single submitter. Criteria: Invitae Variant Classification Sherloc (09022015). Collection method: clinical testing. Allele origin: germline.
Comment: In summary, the available evidence is currently insufficient to determine the role of this variant in disease. Therefore, it has been classified as a Variant of Uncertain Significance. This sequence change replaces alanine, which is neutral and non-polar, with aspartic acid, which is acidic and polar, at codon 145 of the DIAPH1 protein (p.Ala145Asp). This variant is not present in population databases (gnomAD no frequency). This variant has not been reported in the literature in individuals affected with DIAPH1-related conditions. Algorithms developed to predict the effect of missense changes on protein structure and function are either unavailable or do not agree on the potential impact of this missense change (SIFT: "Deleterious"; PolyPhen-2: "Not Available"; Align-GVGD: "Class C0").